The following is an entry in ClinVar:

ClinVar aggregate classification (germline): Pathogenic (1 of 4 stars; one submission).

Submission:

Labcorp Genetics (formerly Invitae), Labcorp
Classification: Pathogenic. Last evaluated: 2024-04-09. Review status: criteria provided, single submitter. Criteria: Invitae Variant Classification Sherloc (09022015). Collection method: clinical testing. Allele origin: germline.
Comment: This sequence change creates a premature translational stop signal (p.Gln181*) in the ATR gene. It is expected to result in an absent or disrupted protein product. Loss-of-function variants in ATR are known to be pathogenic (PMID: 21228398, 23144622). This variant is not present in population databases (gnomAD no frequency). This variant has not been reported in the literature in individuals affected with ATR-related conditions. For these reasons, this variant has been classified as Pathogenic.

Literature cited by the submitters: PubMed 21228398; PubMed 23144622.

NM_001184.4(ATR):c.541C>T (p.Gln181Ter)

Gene: ATR (ATR checkpoint kinase; minus strand). Cytogenetic location: 3q23.
Variant type: single nucleotide variant.
Coding change: c.541C>T on transcript NM_001184.4 (MANE Select); coding-DNA position 541, C replaced by T.
Protein change: p.Gln181Ter; replaces glutamine 181 with a stop codon.
Molecular consequence: nonsense.
Genome position (GRCh38, 1-based): chr3:142,562,861, G>A on the plus strand (C>T on the coding strand, the complement: ATR is on the minus strand). VCF-style: chr3-142562861-G-A. GRCh37 (hg19) VCF-style: chr3-142281703-G-A.
Other names: c.541C>T, p.Gln181Ter (NM_001354579.2); short protein forms Q181*.
Identifiers: ClinVar variation 3676168 (VCV003676168.2).